The following is an entry in ClinVar:

NM_000256.3(MYBPC3):c.1720C>A (p.Arg574=)

Gene: MYBPC3 (myosin binding protein C3; minus strand). Cytogenetic location: 11p11.2.
Variant type: single nucleotide variant.
Coding change: c.1720C>A on transcript NM_000256.3 (MANE Select); coding-DNA position 1720, C replaced by A.
Protein change: p.Arg574=; no amino-acid change (arginine 574 retained).
Molecular consequence: synonymous variant.
Genome position (GRCh38, 1-based): chr11:47,342,061, G>T on the plus strand (C>A on the coding strand, the complement: MYBPC3 is on the minus strand). VCF-style: chr11-47342061-G-T. GRCh37 (hg19) VCF-style: chr11-47363612-G-T.
Other names: p.R574R:CGG>AGG; c.1720C>A, p.Arg574= (LRG_386t1).
Identifiers: ClinVar variation 138317 (VCV000138317.41), dbSNP rs61897383, ClinGen allele CA010986.

ClinVar aggregate classification (germline): Conflicting classifications of pathogenicity. Review status: criteria provided, conflicting classifications (1 of 4 stars). 14 submissions from 13 submitters: Uncertain significance (1); Benign (3); Likely benign (8). 2 of the submissions do not count toward it. Last evaluated 2026-01-06.

Conditions:
Cardiovascular phenotype. Identifiers: MedGen CN230736.
MYBPC3-related disorder. Also called: MYBPC3-related disorders; MYBPC3-related condition; MYBPC3-related disease.
Left ventricular noncompaction 10 (LVNC10). Identifiers: Orphanet 154, Orphanet 54260, MedGen C3715165, MONDO:0014163, OMIM 615396.
Cardiomyopathy (CMYO). Also called: Cardiomyopathies. Identifiers: Orphanet 167848, MedGen C0878544, MONDO:0004994, HP:0001638. Inheritance: Various modes of inheritance.
Hypertrophic cardiomyopathy 4. Also called: Familial hypertrophic cardiomyopathy 4. Identifiers: MedGen C1861862, MONDO:0007268, OMIM 115197.
Hypertrophic cardiomyopathy. Also called: HYPERTROPHIC MYOCARDIOPATHY. Identifiers: Orphanet 217569, MedGen C0007194, MeSH D002312, MONDO:0005045, HP:0001639.

Allele frequency attached by ClinVar (database versions not stated): gnomAD 0.00006; TOPMed 0.00016; ESP Exome Variant Server 0.00039.
gnomAD v4.1: 458 of 1,612,578 alleles (0.028%); highest among the groups gnomAD compares: Non-Finnish European, 0.036%; no homozygotes.

Submissions (14):

Labcorp Genetics (formerly Invitae), Labcorp
Classification: Likely benign for Hypertrophic cardiomyopathy. Last evaluated: 2026-01-06. Review status: criteria provided, single submitter. Criteria: Invitae Variant Classification Sherloc (09022015). Collection method: clinical testing. Allele origin: germline.

PreventionGenetics, part of Exact Sciences
Classification: Likely benign for MYBPC3-related condition. Last evaluated: 2025-10-06. Review status: criteria provided, single submitter. Criteria: ACMG Guidelines, 2015. Collection method: clinical testing. Allele origin: germline.
Comment: This variant is classified as likely benign based on ACMG/AMP sequence variant interpretation guidelines (Richards et al. 2015 PMID: 25741868, with internal and published modifications).

Molecular Diagnostic Laboratory for Inherited Cardiovascular Disease, Montreal Heart Institute
Classification: Likely benign. Last evaluated: 2025-04-09. Review status: criteria provided, single submitter. Criteria: ACMG Guidelines, 2015. Collection method: clinical testing. Allele origin: germline. Affected: no.

Women's Health and Genetics/Laboratory Corporation of America, LabCorp
Classification: Benign. Last evaluated: 2024-12-06. Review status: criteria provided, single submitter. Criteria: LabCorp Variant Classification Summary - May 2015. Collection method: clinical testing. Allele origin: germline.

All of Us Research Program, National Institutes of Health
Classification: Likely benign for Hypertrophic cardiomyopathy. Last evaluated: 2023-12-18. Review status: criteria provided, single submitter. Criteria: ACMG Guidelines, 2015. Collection method: clinical testing. Allele origin: germline. Inheritance: Autosomal dominant inheritance. Observed: 50 variant alleles, 50 heterozygotes.
Comment: This study involves interpretation of variants in research participants for the purpose of population health screening. Participant phenotype was not available at the time of variant classification. Additional details can be found in publication PMID: 35346344, PMCID: PMC8962531

Blueprint Genetics
Classification: Likely benign. Last evaluated: 2023-08-01. Review status: criteria provided, single submitter. Criteria: ACMG Guidelines, 2015. Collection method: clinical testing. Allele origin: germline.

CHEO Genetics Diagnostic Laboratory, Children's Hospital of Eastern Ontario
Classification: Likely benign for Cardiomyopathy. Last evaluated: 2023-03-21. Review status: criteria provided, single submitter. Criteria: ACMG Guidelines, 2015. Collection method: clinical testing. Allele origin: germline.

Ambry Genetics
Classification: Likely benign for Cardiovascular phenotype. Last evaluated: 2020-09-01. Review status: criteria provided, single submitter. Criteria: Ambry Variant Classification Scheme 2023. Collection method: clinical testing. Allele origin: germline.

Color Diagnostics, LLC DBA Color Health
Classification: Likely benign for Cardiomyopathy. Last evaluated: 2018-04-07. Review status: criteria provided, single submitter. Criteria: ACMG Guidelines, 2015. Collection method: clinical testing. Allele origin: germline.

Illumina Laboratory Services, Illumina
Classification: Uncertain significance for Hypertrophic cardiomyopathy 4. Last evaluated: 2018-01-13. Review status: criteria provided, single submitter. Criteria: ICSL Variant Classification Criteria 13 December 2019. Collection method: clinical testing. Allele origin: germline.

Illumina Laboratory Services, Illumina
Classification: Benign for Left ventricular noncompaction 10. Last evaluated: 2018-01-13. Review status: criteria provided, single submitter. Criteria: ICSL Variant Classification Criteria 13 December 2019. Collection method: clinical testing. Allele origin: germline.
Comment: This variant was observed in the ICSL laboratory as part of a predisposition screen in an ostensibly healthy population. It had not been previously curated by ICSL or reported in the Human Gene Mutation Database (HGMD: prior to June 1st, 2018), and was therefore a candidate for classification through an automated scoring system. Utilizing variant allele frequency, disease prevalence and penetrance estimates, and inheritance mode, an automated score was calculated to assess if this variant is too frequent to cause the disease. Based on the score and internal cut-off values, a variant classified as benign is not then subjected to further curation. The score for this variant resulted in a classification of benign for this disease.

GeneDx
Classification: Benign. Last evaluated: 2012-04-03. Review status: criteria provided, single submitter. Criteria: GeneDx Variant Classification (06012015). Collection method: clinical testing. Allele origin: germline. Affected: yes.
Comment: This variant is considered likely benign or benign based on one or more of the following criteria: it is a conservative change, it occurs at a poorly conserved position in the protein, it is predicted to be benign by multiple in silico algorithms, and/or has population frequency not consistent with disease.

Genome Diagnostics Laboratory, University Medical Center Utrecht
Classification: Likely benign. Review status: no assertion criteria provided. Collection method: clinical testing. Allele origin: germline. Affected: yes. Study: VKGL Data-share Consensus. Not counted in ClinVar's aggregate classification.

Joint Genome Diagnostic Labs from Nijmegen and Maastricht, Radboudumc and MUMC+
Classification: Likely benign. Review status: no assertion criteria provided. Collection method: clinical testing. Allele origin: germline. Affected: yes. Study: VKGL Data-share Consensus. Not counted in ClinVar's aggregate classification.